The following is an entry in ClinVar:

NM_001165963.4(SCN1A):c.2262G>C (p.Trp754Cys)

Gene: SCN1A (sodium voltage-gated channel alpha subunit 1; minus strand). Cytogenetic location: 2q24.3.
Variant type: single nucleotide variant.
Coding change: c.2262G>C on transcript NM_001165963.4 (MANE Select); coding-DNA position 2262, G replaced by C.
Protein change: p.Trp754Cys; replaces tryptophan 754 with cysteine.
Molecular consequence: missense variant. On other transcripts: 5 prime UTR variant (1), non-coding transcript variant (1).
Genome position (GRCh38, 1-based): chr2:166,041,384, C>G on the plus strand (G>C on the coding strand, the complement: SCN1A is on the minus strand). VCF-style: chr2-166041384-C-G. GRCh37 (hg19) VCF-style: chr2-166897894-C-G.
Other names: c.2178G>C, p.Trp726Cys (NM_001165964.3, NM_001353957.2, NM_001353958.2); c.2262G>C, p.Trp754Cys (NM_001202435.3, NM_001353948.2); c.2229G>C, p.Trp743Cys (NM_001353949.2, NM_001353950.2, NM_001353951.2 and 2 more transcripts); c.2226G>C, p.Trp742Cys (NM_001353954.2, NM_001353955.2); c.2175G>C, p.Trp725Cys (NM_001353960.2); c.-197G>C (NM_001353961.2); short protein forms W742C, W754C, W725C, W726C, W743C.
Identifiers: ClinVar variation 1401201 (VCV001401201.7), dbSNP rs1553543323, ClinGen allele CA349064797.
Genomic context (GRCh38, chr2:166,041,384, plus strand): 5'-GATGGCCAGGTCAACAAATGGGTCCATCACAACCAGGTTGACAACATGTTTCACTTTTAA[C>G]CAATATGGAGAACAGTCCCAGATTAAGAATATGTTGGAAAATTTATACCAACAGGGTGGG-3'
Protein context (NP_001159435.1, residues 744-764): IFLIWDCSPY[Trp754Cys]LKVKHVVNLV

ClinVar aggregate classification (germline): Uncertain significance (1 of 4 stars; one submission).

Conditions:
Early-infantile DEE. Also called: Early infantile epileptic encephalopathy; Ohtahara syndrome; Early infantile epileptic encephalopathy with suppression bursts. Identifiers: Orphanet 1934, MedGen C0393706, MONDO:0800491.

Submission:

Labcorp Genetics (formerly Invitae), Labcorp
Classification: Uncertain significance for Early-infantile DEE. Last evaluated: 2022-02-03. Review status: criteria provided, single submitter. Criteria: Invitae Variant Classification Sherloc (09022015). Collection method: clinical testing. Allele origin: germline.
Comment: This sequence change replaces tryptophan, which is neutral and slightly polar, with cysteine, which is neutral and slightly polar, at codon 754 of the SCN1A protein (p.Trp754Cys). This variant is not present in population databases (gnomAD no frequency). This missense change has been observed in individual(s) with clinical features of SCN1A-related conditions (Invitae). Advanced modeling of protein sequence and biophysical properties (such as structural, functional, and spatial information, amino acid conservation, physicochemical variation, residue mobility, and thermodynamic stability) performed at Invitae indicates that this missense variant is expected to disrupt SCN1A protein function. In summary, the available evidence is currently insufficient to determine the role of this variant in disease. Therefore, it has been classified as a Variant of Uncertain Significance.